The following is an entry in ClinVar:

ClinVar aggregate classification (germline): Uncertain significance (1 of 4 stars; one submission).

Allele frequency attached by ClinVar (database versions not stated): ExAC 0.00002; gnomAD 0.00006; TOPMed 0.00007.
gnomAD v4.1: 163 of 1,614,044 alleles (0.01%); highest among the groups gnomAD compares: Non-Finnish European, 0.013%; no homozygotes.

Submission:

Labcorp Genetics (formerly Invitae), Labcorp
Classification: Uncertain significance. Last evaluated: 2025-05-22. Review status: criteria provided, single submitter. Criteria: Invitae Variant Classification Sherloc (09022015). Collection method: clinical testing. Allele origin: germline.
Comment: This sequence change replaces asparagine, which is neutral and polar, with serine, which is neutral and polar, at codon 33 of the SIAE protein (p.Asn33Ser). This variant is present in population databases (rs762824510, gnomAD 0.009%). This missense change has been observed in individual(s) with rheumatoid arthritis (PMID: 20555325). ClinVar contains an entry for this variant (Variation ID: 2169403). An algorithm developed to predict the effect of missense changes on protein structure and function outputs the following: PolyPhen-2: "Benign". The serine amino acid residue is found in multiple mammalian species, which suggests that this missense change does not adversely affect protein function. Experimental studies are conflicting or provide insufficient evidence to determine the effect of this variant on SIAE function (PMID: 20555325). In summary, the available evidence is currently insufficient to determine the role of this variant in disease. Therefore, it has been classified as a Variant of Uncertain Significance.

Literature cited by the submitters: PubMed 20555325.

NM_170601.5(SIAE):c.98A>G (p.Asn33Ser)

Gene: SIAE (sialic acid acetylesterase; minus strand). Cytogenetic location: 11q24.2.
Variant type: single nucleotide variant.
Coding change: c.98A>G on transcript NM_170601.5 (MANE Select); coding-DNA position 98, A replaced by G.
Protein change: p.Asn33Ser; replaces asparagine 33 with serine.
Molecular consequence: missense variant. On other transcripts: 5 prime UTR variant (1).
Genome position (GRCh38, 1-based): chr11:124,669,491, T>C on the plus strand (A>G on the coding strand, the complement: SIAE is on the minus strand). VCF-style: chr11-124669491-T-C. GRCh37 (hg19) VCF-style: chr11-124539387-T-C.
Other names: c.-8A>G (NM_001199922.2); short protein forms N33S.
Identifiers: ClinVar variation 2169403 (VCV002169403.4), dbSNP rs762824510, ClinGen allele CA6341657.